The following is an entry in ClinVar:

NM_004385.5(VCAN):c.9100G>A (p.Ala3034Thr)

Genes: VCAN (versican; plus strand), VCAN-AS1 (VCAN antisense RNA 1; minus strand). Cytogenetic location: 5q14.3.
Variant type: single nucleotide variant.
Coding change: c.9100G>A on transcript NM_004385.5 (MANE Select); coding-DNA position 9100, G replaced by A.
Protein change: p.Ala3034Thr; replaces alanine 3034 with threonine.
Molecular consequence: missense variant. On other transcripts: intron variant (2).
Genome position (GRCh38, 1-based): chr5:83,542,103, G>A. VCF-style: chr5-83542103-G-A. GRCh37 (hg19) VCF-style: chr5-82837922-G-A.
Other names: c.6139G>A, p.Ala2047Thr (NM_001164097.2); c.4004-3434G>A (NM_001164098.2); c.1043-3434G>A (NM_001126336.3); short protein forms A3034T, A2047T.
Identifiers: ClinVar variation 958049 (VCV000958049.21), dbSNP rs144851998, ClinGen allele CA3333913.

ClinVar aggregate classification (germline): Conflicting classifications of pathogenicity. Review status: criteria provided, conflicting classifications (1 of 4 stars). 3 submissions from 3 submitters: Uncertain significance (1); Likely benign (2). Last evaluated 2026-01-18.

Allele frequency attached by ClinVar (database versions not stated): ExAC 0.00007; gnomAD 0.00007; ESP Exome Variant Server 0.00008; gnomAD exomes 0.00009 and 0.00011; TOPMed 0.00009.
gnomAD v4.1: 162 of 1,613,964 alleles (0.01%); highest among the groups gnomAD compares: Non-Finnish European, 0.013%; no homozygotes.

Submissions (3):

Labcorp Genetics (formerly Invitae), Labcorp
Classification: Uncertain significance. Last evaluated: 2026-01-18. Review status: criteria provided, single submitter. Criteria: Invitae Variant Classification Sherloc (09022015). Collection method: clinical testing. Allele origin: germline.
Comment: This sequence change replaces alanine, which is neutral and non-polar, with threonine, which is neutral and polar, at codon 3034 of the VCAN protein (p.Ala3034Thr). This variant is present in population databases (rs144851998, gnomAD 0.01%). This variant has not been reported in the literature in individuals affected with VCAN-related conditions. ClinVar contains an entry for this variant (Variation ID: 958049). An algorithm developed to predict the effect of missense changes on protein structure and function outputs the following: PolyPhen-2: "Benign". The threonine amino acid residue is found in multiple mammalian species, which suggests that this missense change does not adversely affect protein function. In summary, the available evidence is currently insufficient to determine the role of this variant in disease. Therefore, it has been classified as a Variant of Uncertain Significance.

CeGaT Center for Human Genetics Tuebingen
Classification: Likely benign. Last evaluated: 2025-02-01. Review status: criteria provided, single submitter. Criteria: CeGaT Center For Human Genetics Tuebingen Variant Classification Criteria Version 2. Collection method: clinical testing. Allele origin: germline. Affected: yes. Observed: 1 variant allele.
Comment: VCAN: BP4

Blueprint Genetics
Classification: Likely benign. Last evaluated: 2024-11-13. Review status: criteria provided, single submitter. Criteria: ACMG Guidelines, 2015. Collection method: clinical testing. Allele origin: germline.